The following is an entry in ClinVar:

NC_000001.10:g.(?_147230270)_(147231346_?)del

Gene: GJA5 (gap junction protein alpha 5; minus strand). Cytogenetic location: 1q21.2.
Variant type: Deletion.
Identifiers: ClinVar variation 1444016 (VCV001444016.5).

ClinVar aggregate classification (germline): Pathogenic (1 of 4 stars; one submission).

Conditions:
Atrial standstill 1 (ATRST1). Also called: ATRIAL CARDIOMYOPATHY WITH HEART BLOCK; CARDIOMYOPATHY, FAMILIAL, WITH CONDUCTION DISTURBANCE; Atrial standstill, digenic (GJA5/SCN5A). Identifiers: Orphanet 1344, MedGen C4551959, MONDO:0007171, OMIM 108770.
Atrial fibrillation, familial, 11 (ATFB11). Identifiers: MedGen C3279693, MONDO:0013544, OMIM 614049.

Submission:

Labcorp Genetics (formerly Invitae), Labcorp
Classification: Pathogenic for Atrial fibrillation, familial, 11; Atrial standstill 1. Last evaluated: 2024-01-08. Review status: criteria provided, single submitter. Criteria: Invitae Variant Classification Sherloc (09022015). Collection method: clinical testing. Allele origin: germline.
Comment: A gross deletion of the genomic region encompassing the full coding sequence of the GJA5 gene has been identified. Loss-of-function variants in GJA5 are known to be pathogenic (PMID: 20818502, 23292621). The boundaries of this event are unknown as they extend beyond the assayed region for this gene and therefore may encompass additional genes. Isolated whole-gene deletions of GJA5 have not been reported in the literature. However, larger copy number events that include this gene have been reported (PMID: 22199024, 26137477, 28398664). For these reasons, this variant has been classified as Pathogenic.

Literature cited by the submitters: PubMed 20818502; PubMed 23292621; PubMed 22199024; PubMed 26137477; PubMed 28398664.